The following is an entry in ClinVar:

NM_001873.4(CPE):c.253G>C (p.Gly85Arg)

Gene: CPE (carboxypeptidase E; plus strand). Cytogenetic location: 4q32.3.
Variant type: single nucleotide variant.
Coding change: c.253G>C on transcript NM_001873.4 (MANE Select); coding-DNA position 253, G replaced by C.
Protein change: p.Gly85Arg; replaces glycine 85 with arginine.
Molecular consequence: missense variant.
Genome position (GRCh38, 1-based): chr4:165,379,474, G>C. VCF-style: chr4-165379474-G-C. GRCh37 (hg19) VCF-style: chr4-166300626-G-C.
Other names: short protein forms G85R.
Identifiers: ClinVar variation 4978114 (VCV004978114.1).
Genomic context (GRCh38, chr4:165,379,474, plus strand): 5'-TCCGTGTGGCTGCAGTGCACCGCCATCAGCAGGATTTACACGGTGGGGCGCAGCTTCGAG[G>C]GCCGGGAGCTCCTGGTCATCGAGCTGTCCGACAACCCTGGCGTCCATGAGCCTGGTAAGG-3'
Protein context (NP_001864.1, residues 75-95): RIYTVGRSFE[Gly85Arg]RELLVIELSD

ClinVar aggregate classification (germline): Uncertain significance (1 of 4 stars; one submission).

Conditions:
CPE-related disorder. Also called: CPE-related condition.

gnomAD v4.1: 6 of 1,603,282 alleles (0.00037%); highest among the groups gnomAD compares: Admixed American, 0.01%; no homozygotes.

Submission:

PreventionGenetics, part of Exact Sciences
Classification: Uncertain significance for CPE-related condition. Last evaluated: 2025-10-28. Review status: criteria provided, single submitter. Criteria: ACMG Guidelines, 2015. Collection method: clinical testing. Allele origin: germline.
Comment: The CPE c.253G>C variant is predicted to result in the amino acid substitution p.Gly85Arg. This variant has been reported in a cohort study with myelomeningocele; however, no phenotype information was provided (Table S5, Hebert et al. 2020. PubMed ID: 32970752). This variant is reported in 0.012% of alleles in individuals of Latino descent in gnomAD. At this time, the clinical significance of this variant is uncertain due to the absence of conclusive functional and genetic evidence.